The following is an entry in ClinVar:

ClinVar aggregate classification (germline): Uncertain significance (1 of 4 stars; one submission).

Conditions:
STING-associated vasculopathy with onset in infancy. Also called: Sting-associated vasculopathy, infantile-onset. Identifiers: Orphanet 425120, MedGen C4014722, MONDO:0014405, OMIM 615934.

Allele frequency attached by ClinVar (database versions not stated): ExAC 0.00001; gnomAD exomes 0.00001.
gnomAD v4.1: 18 of 1,613,790 alleles (0.0011%); highest among the groups gnomAD compares: South Asian, 0.0022%; no homozygotes.

Submission:

Labcorp Genetics (formerly Invitae), Labcorp
Classification: Uncertain significance for STING-associated vasculopathy with onset in infancy. Last evaluated: 2025-09-02. Review status: criteria provided, single submitter. Criteria: Invitae Variant Classification Sherloc (09022015). Collection method: clinical testing. Allele origin: germline.
Comment: This sequence change replaces threonine, which is neutral and polar, with isoleucine, which is neutral and non-polar, at codon 256 of the TMEM173 protein (p.Thr256Ile). This variant is present in population databases (rs769794754, gnomAD 0.003%). This missense change has been observed in individual(s) with clinical features of STING-associated vasculopathy (internal data). ClinVar contains an entry for this variant (Variation ID: 1011287). Invitae Evidence Modeling of protein sequence and biophysical properties (such as structural, functional, and spatial information, amino acid conservation, physicochemical variation, residue mobility, and thermodynamic stability) indicates that this missense variant is not expected to disrupt TMEM173 protein function with a negative predictive value of 80%. In summary, the available evidence is currently insufficient to determine the role of this variant in disease. Therefore, it has been classified as a Variant of Uncertain Significance.

NM_198282.4(STING1):c.767C>T (p.Thr256Ile)

Gene: STING1 (stimulator of interferon response cGAMP interactor 1; minus strand). Cytogenetic location: 5q31.2.
Variant type: single nucleotide variant.
Coding change: c.767C>T on transcript NM_198282.4 (MANE Select); coding-DNA position 767, C replaced by T.
Protein change: p.Thr256Ile; replaces threonine 256 with isoleucine.
Molecular consequence: missense variant. On other transcripts: intron variant (1).
Genome position (GRCh38, 1-based): chr5:139,477,508, G>A on the plus strand (C>T on the coding strand, the complement: STING1 is on the minus strand). VCF-style: chr5-139477508-G-A. GRCh37 (hg19) VCF-style: chr5-138857093-G-A.
Other names: c.410C>T, p.Thr137Ile (NM_001367258.1); c.759+762C>T (NM_001301738.2); short protein forms T137I, T256I.
Identifiers: ClinVar variation 1011287 (VCV001011287.9), dbSNP rs769794754, ClinGen allele CA3435306.